The following is an entry in ClinVar:

ClinVar aggregate classification (germline): Uncertain significance (1 of 4 stars; one submission).

Conditions:
Hereditary cancer-predisposing syndrome. Also called: Neoplastic Syndromes, Hereditary; Tumor predisposition; Hereditary neoplastic syndrome; Hereditary Cancer Syndrome. Identifiers: Orphanet 140162, MedGen C0027672, MeSH D009386, MONDO:0015356.

Submission:

Ambry Genetics
Classification: Uncertain significance for Hereditary cancer-predisposing syndrome. Last evaluated: 2026-07-02. Review status: criteria provided, single submitter. Criteria: Ambry Variant Classification Scheme 2023. Collection method: clinical testing. Allele origin: germline.
Comment: The p.S1297I variant (also known as c.3890G>T), located in coding exon 9 of the MSH6 gene, results from a G to T substitution at nucleotide position 3890. The serine at codon 1297 is replaced by isoleucine, an amino acid with dissimilar properties. This amino acid position is conserved. In addition, this alteration is predicted to be deleterious by in silico analysis. Based on the available evidence, the clinical significance of this variant remains unclear.

NM_000179.3(MSH6):c.3890G>T (p.Ser1297Ile)

Gene: MSH6 (mutS homolog 6; plus strand). Cytogenetic location: 2p16.3.
Variant type: single nucleotide variant.
Coding change: c.3890G>T on transcript NM_000179.3 (MANE Select); coding-DNA position 3890, G replaced by T.
Protein change: p.Ser1297Ile; replaces serine 1297 with isoleucine.
Molecular consequence: missense variant. On other transcripts: non-coding transcript variant (5), intron variant (1).
Genome position (GRCh38, 1-based): chr2:47,806,540, G>T. VCF-style: chr2-47806540-G-T. GRCh37 (hg19) VCF-style: chr2-48033679-G-T.
Other names: c.3500G>T, p.Ser1167Ile (NM_001281492.2); c.2984G>T, p.Ser995Ile (NM_001281493.2, NM_001281494.2, NM_001406811.1 and 6 more transcripts); c.3986G>T, p.Ser1329Ile (NM_001406795.1); c.3890G>T, p.Ser1297Ile (NM_001406796.1, NM_001406808.1, NM_001406809.1); c.3593G>T, p.Ser1198Ile (NM_001406797.1, NM_001406801.1, NM_001406805.1 and 10 more transcripts); c.3716G>T, p.Ser1239Ile (NM_001406798.1); c.3365G>T, p.Ser1122Ile (NM_001406799.1, NM_001406806.1, NM_001406807.1); c.3877G>T, p.Ala1293Ser (NM_001406800.1); and 9 more; short protein forms S1009I, S1122I, S1271I, S1329I, S246I, S1198I, S1241I, S224I.
Identifiers: ClinVar variation 5024883 (VCV005024883.1).